The following is an entry in ClinVar:

ClinVar aggregate classification (germline): Benign/Likely benign. Review status: criteria provided, multiple submitters, no conflicts (2 of 4 stars). 2 submissions from 2 submitters: Benign (1); Likely benign (1). Last evaluated 2022-08-01.

Allele frequency attached by ClinVar (database versions not stated): ExAC below 0.00001; TOPMed 0.00157; 1000 Genomes Project 30x 0.00172; gnomAD 0.00507; gnomAD exomes 0.00888.
gnomAD v4.1: 1,935 of 1,216,830 alleles (0.16%); highest among the groups gnomAD compares: Admixed American, 0.27%; 14 homozygotes.

Submissions (2):

CeGaT Center for Human Genetics Tuebingen
Classification: Likely benign. Last evaluated: 2022-08-01. Review status: criteria provided, single submitter. Criteria: CeGaT Center For Human Genetics Tuebingen Variant Classification Criteria Version 2. Collection method: clinical testing. Allele origin: germline. Affected: yes. Observed: 2 variant alleles.
Comment: TNRC18: BP4, BP7

Labcorp Genetics (formerly Invitae), Labcorp
Classification: Benign. Last evaluated: 2019-12-31. Review status: criteria provided, single submitter. Criteria: Invitae Variant Classification Sherloc (09022015). Collection method: clinical testing. Allele origin: germline.

NM_001080495.3(TNRC18):c.984G>A (p.Pro328=)

Gene: TNRC18 (trinucleotide repeat containing 18; minus strand). Cytogenetic location: 7p22.1.
Variant type: single nucleotide variant.
Coding change: c.984G>A on transcript NM_001080495.3 (MANE Select); coding-DNA position 984, G replaced by A.
Protein change: p.Pro328=; no amino-acid change (proline 328 retained).
Molecular consequence: synonymous variant.
Genome position (GRCh38, 1-based): chr7:5,388,840, C>T on the plus strand (G>A on the coding strand, the complement: TNRC18 is on the minus strand). VCF-style: chr7-5388840-C-T. GRCh37 (hg19) VCF-style: chr7-5428471-C-T.
Identifiers: ClinVar variation 719323 (VCV000719323.28), dbSNP rs760464582, ClinGen allele CA4145709.